The following is an entry in ClinVar:

NM_006303.4(AIMP2):c.193C>T (p.Arg65Cys)

Gene: AIMP2 (aminoacyl tRNA synthetase complex interacting multifunctional protein 2; plus strand). Cytogenetic location: 7p22.1.
Variant type: single nucleotide variant.
Coding change: c.193C>T on transcript NM_006303.4 (MANE Select); coding-DNA position 193, C replaced by T.
Protein change: p.Arg65Cys; replaces arginine 65 with cysteine.
Molecular consequence: missense variant. On other transcripts: 5 prime UTR variant (3), intron variant (1).
Genome position (GRCh38, 1-based): chr7:6,015,203, C>T. VCF-style: chr7-6015203-C-T. GRCh37 (hg19) VCF-style: chr7-6054834-C-T.
Other names: c.73C>T, p.Arg25Cys (NM_001326606.2); c.-42C>T (NM_001326609.2, NM_001326610.2, NM_001326611.3); c.106C>T, p.Arg36Cys (NM_001362785.2); c.61C>T, p.Arg21Cys (NM_001362787.2); c.136-2611C>T (NM_001326607.2); c.193C>T (NM_006303.3); short protein forms R25C, R36C, R21C, R65C.
Identifiers: ClinVar variation 1468614 (VCV001468614.6), dbSNP rs140850823, ClinGen allele CA4150263.

ClinVar aggregate classification (germline): Conflicting classifications of pathogenicity. Review status: criteria provided, conflicting classifications (1 of 4 stars). 3 submissions from 3 submitters: Uncertain significance (2); Likely benign (1). Last evaluated 2025-10-02.

Conditions:
Inborn genetic diseases. Identifiers: MedGen C0950123, MeSH D030342.

Allele frequency attached by ClinVar (database versions not stated): 1000 Genomes Project 30x 0.00016; 1000 Genomes Project 0.00020; ESP Exome Variant Server 0.00031; ExAC 0.00040; gnomAD 0.00042; TOPMed 0.00043; gnomAD exomes 0.00046 and 0.00049.
gnomAD v4.1: 756 of 1,614,124 alleles (0.047%); highest among the groups gnomAD compares: Middle Eastern, 0.76%; 5 homozygotes.

Submissions (3):

Labcorp Genetics (formerly Invitae), Labcorp
Classification: Uncertain significance. Last evaluated: 2025-10-02. Review status: criteria provided, single submitter. Criteria: Invitae Variant Classification Sherloc (09022015). Collection method: clinical testing. Allele origin: germline.
Comment: This sequence change replaces arginine, which is basic and polar, with cysteine, which is neutral and slightly polar, at codon 65 of the AIMP2 protein (p.Arg65Cys). This variant is present in population databases (rs140850823, gnomAD 0.1%), and has an allele count higher than expected for a pathogenic variant. This variant has not been reported in the literature in individuals affected with AIMP2-related conditions. ClinVar contains an entry for this variant (Variation ID: 1468614). An algorithm developed to predict the effect of missense changes on protein structure and function outputs the following: PolyPhen-2: "Benign". The cysteine amino acid residue is found in multiple mammalian species, which suggests that this missense change does not adversely affect protein function. In summary, the available evidence is currently insufficient to determine the role of this variant in disease. Therefore, it has been classified as a Variant of Uncertain Significance.

Ambry Genetics
Classification: Likely benign for Inborn genetic diseases. Last evaluated: 2022-01-15. Review status: criteria provided, single submitter. Criteria: Ambry Variant Classification Scheme 2023. Collection method: clinical testing. Allele origin: germline.

Breakthrough Genomics
Classification: Uncertain significance. Review status: criteria provided, single submitter. Criteria: ACMG Guidelines, 2015. Collection method: not provided. Allele origin: germline. Inheritance: Autosomal recessive inheritance. Affected: yes.